The following is an entry in ClinVar:

ClinVar aggregate classification (germline): Likely benign. Review status: criteria provided, multiple submitters, no conflicts (2 of 4 stars). 3 submissions from 3 submitters: Likely benign (2). 1 of the submissions does not count toward it. Last evaluated 2026-07-01.

Conditions:
WASF1-related disorder. Also called: WASF1-related condition.

Allele frequency attached by ClinVar (database versions not stated): gnomAD 0.00011; 1000 Genomes Project 0.00020; 1000 Genomes Project 30x 0.00031; gnomAD exomes 0.00006; ExAC 0.00010; TOPMed 0.00010.

Submissions (3):

CeGaT Center for Human Genetics Tuebingen
Classification: Likely benign. Last evaluated: 2026-07-01. Review status: criteria provided, single submitter. Criteria: CeGaT Center For Human Genetics Tuebingen Variant Classification Criteria Version 2. Collection method: clinical testing. Allele origin: germline. Affected: yes. Observed: 1 variant allele.
Comment: WASF1: BP4, BP7

Blueprint Genetics
Classification: Likely benign. Last evaluated: 2024-06-13. Review status: criteria provided, single submitter. Criteria: ACMG Guidelines, 2015. Collection method: clinical testing. Allele origin: germline.

PreventionGenetics, part of Exact Sciences
Classification: Likely benign for WASF1-related condition. Last evaluated: 2019-05-31. Review status: no assertion criteria provided. Collection method: clinical testing. Allele origin: germline. Not counted in ClinVar's aggregate classification.
Comment: This variant is classified as likely benign based on ACMG/AMP sequence variant interpretation guidelines (Richards et al. 2015 PMID: 25741868, with internal and published modifications).

NM_003931.3(WASF1):c.1269G>A (p.Leu423=)

Gene: WASF1 (WASP family member 1; minus strand). Cytogenetic location: 6q21.
Variant type: single nucleotide variant.
Coding change: c.1269G>A on transcript NM_003931.3 (MANE Select); coding-DNA position 1269, G replaced by A.
Protein change: p.Leu423=; no amino-acid change (leucine 423 retained).
Molecular consequence: synonymous variant.
Genome position (GRCh38, 1-based): chr6:110,101,841, C>T on the plus strand (G>A on the coding strand, the complement: WASF1 is on the minus strand). VCF-style: chr6-110101841-C-T. GRCh37 (hg19) VCF-style: chr6-110423044-C-T.
Other names: c.1269G>A, p.Leu423= (NM_001024934.2, NM_001024935.2, NM_001024936.2).
Identifiers: ClinVar variation 3044074 (VCV003044074.4), dbSNP rs567692835, ClinGen allele CA3956832.